The following is an entry in ClinVar:

ClinVar aggregate classification (germline): Uncertain significance (1 of 4 stars; one submission).

Submission:

Labcorp Genetics (formerly Invitae), Labcorp
Classification: Uncertain significance. Last evaluated: 2024-05-01. Review status: criteria provided, single submitter. Criteria: Invitae Variant Classification Sherloc (09022015). Collection method: clinical testing. Allele origin: germline.
Comment: This sequence change replaces glutamic acid, which is acidic and polar, with lysine, which is basic and polar, at codon 449 of the POLG2 protein (p.Glu449Lys). This variant is not present in population databases (gnomAD no frequency). This variant has not been reported in the literature in individuals affected with POLG2-related conditions. An algorithm developed to predict the effect of missense changes on protein structure and function (PolyPhen-2) suggests that this variant is likely to be disruptive. In summary, the available evidence is currently insufficient to determine the role of this variant in disease. Therefore, it has been classified as a Variant of Uncertain Significance.

NM_007215.4(POLG2):c.1345G>A (p.Glu449Lys)

Genes: MILR1 (mast cell immunoglobulin like receptor 1; plus strand), POLG2 (DNA polymerase gamma 2, accessory subunit; minus strand). Cytogenetic location: 17q23.3.
Variant type: single nucleotide variant.
Coding change: c.1345G>A on transcript NM_007215.4 (MANE Select); coding-DNA position 1345, G replaced by A.
Protein change: p.Glu449Lys; replaces glutamic acid 449 with lysine.
Molecular consequence: missense variant.
Genome position (GRCh38, 1-based): chr17:64,477,936, C>T on the plus strand (G>A on the coding strand, the complement: POLG2 is on the minus strand). VCF-style: chr17-64477936-C-T. GRCh37 (hg19) VCF-style: chr17-62474053-C-T.
Other names: short protein forms E449K.
Identifiers: ClinVar variation 3695950 (VCV003695950.2).
Genomic context (GRCh38, chr17:64,477,936, plus strand): 5'-ATATATGCATCATTTCCTTCATTGTGGTGTCTCTGCTTCTCAGATGTATTAATCCATTCT[C>T]CAAAGTAGTTTCAGTAACCAAAACTGTGAAGAGAATACTCATTTCATCATACCTAAGAAA-3'
Protein context (NP_009146.2, residues 439-459): FTVLVTETTL[Glu449Lys]NGLIHLRSRD